The following is an entry in ClinVar:

ClinVar aggregate classification (germline): Pathogenic (1 of 4 stars; one submission).

Conditions:
Familial hemiplegic migraine. Identifiers: MedGen C0338484, MONDO:0000700.

Submission:

Labcorp Genetics (formerly Invitae), Labcorp
Classification: Pathogenic for Familial hemiplegic migraine. Last evaluated: 2025-04-15. Review status: criteria provided, single submitter. Criteria: Invitae Variant Classification Sherloc (09022015). Collection method: clinical testing. Allele origin: germline.
Comment: This sequence change replaces lysine, which is basic and polar, with arginine, which is basic and polar, at codon 375 of the ATP1A2 protein (p.Lys375Arg). This variant is not present in population databases (gnomAD no frequency). This missense change has been observed in individual(s) with ATP1A2-related conditions (internal data). In at least one individual the variant was observed to be de novo. Invitae Evidence Modeling of protein sequence and biophysical properties (such as structural, functional, and spatial information, amino acid conservation, physicochemical variation, residue mobility, and thermodynamic stability) indicates that this missense variant is expected to disrupt ATP1A2 protein function with a positive predictive value of 80%. For these reasons, this variant has been classified as Pathogenic.

NM_000702.4(ATP1A2):c.1124A>G (p.Lys375Arg)

Gene: ATP1A2 (ATPase Na+/K+ transporting subunit alpha 2; plus strand). Cytogenetic location: 1q23.2.
Variant type: single nucleotide variant.
Coding change: c.1124A>G on transcript NM_000702.4 (MANE Select); coding-DNA position 1124, A replaced by G.
Protein change: p.Lys375Arg; replaces lysine 375 with arginine.
Molecular consequence: missense variant.
Genome position (GRCh38, 1-based): chr1:160,128,758, A>G. VCF-style: chr1-160128758-A-G. GRCh37 (hg19) VCF-style: chr1-160098548-A-G.
Other names: short protein forms K375R.
Identifiers: ClinVar variation 4761402 (VCV004761402.1).